The following is an entry in ClinVar:

ClinVar aggregate classification (germline): Uncertain significance (1 of 4 stars; one submission).

Submission:

GeneDx
Classification: Uncertain significance. Last evaluated: 2022-09-15. Review status: criteria provided, single submitter. Criteria: GeneDx Variant Classification Process June 2021. Collection method: clinical testing. Allele origin: germline. Affected: yes.
Comment: Not observed at significant frequency in large population cohorts (gnomAD); In silico analysis supports a deleterious effect on protein structure/function; Has not been previously published as pathogenic or benign to our knowledge; This variant is associated with the following publications: (PMID: 19151156, 27248010)

NM_002907.4(RECQL):c.505_507delinsAAG (p.His169Lys)

Gene: RECQL (RecQ like helicase; minus strand). Cytogenetic location: 12p12.1.
Variant type: Indel.
Coding change: c.505_507delinsAAG on transcript NM_002907.4 (MANE Select); coding-DNA positions 505 to 507, CAT replaced by AAG.
Protein change: p.His169Lys; replaces histidine 169 with lysine.
Molecular consequence: missense variant.
Genome position (GRCh38, 1-based): chr12:21,483,569-21,483,571, ATG replaced by CTT on the plus strand (CAT replaced by AAG on the coding strand, the reverse complement: RECQL is on the minus strand). VCF-style: chr12-21483569-ATG-CTT. GRCh37 (hg19) VCF-style: chr12-21636503-ATG-CTT.
Other names: c.505_507delinsAAG, p.His169Lys (NM_032941.3); short protein forms H169K.
Identifiers: ClinVar variation 2444541 (VCV002444541.1), dbSNP rs2540376219, ClinGen allele CA2580085232.